The following is an entry in ClinVar:

NM_080605.4(B3GALT6):c.101C>T (p.Ala34Val)

Gene: B3GALT6 (beta-1,3-galactosyltransferase 6; plus strand). Cytogenetic location: 1p36.33.
Variant type: single nucleotide variant.
Coding change: c.101C>T on transcript NM_080605.4 (MANE Select); coding-DNA position 101, C replaced by T.
Protein change: p.Ala34Val; replaces alanine 34 with valine.
Molecular consequence: missense variant.
Genome position (GRCh38, 1-based): chr1:1,232,379, C>T. VCF-style: chr1-1232379-C-T. GRCh37 (hg19) VCF-style: chr1-1167759-C-T.
Other names: short protein forms A34V.
Identifiers: ClinVar variation 1956536 (VCV001956536.5), dbSNP rs1638533643, ClinGen allele CA337822452.

ClinVar aggregate classification (germline): Uncertain significance (1 of 4 stars; one submission).

Conditions:
Spondyloepimetaphyseal dysplasia with joint laxity (SEMDJL). Identifiers: MedGen C0432243, MONDO:0019675.
Ehlers-Danlos syndrome, spondylodysplastic type, 2 (EDSSPD2). Also called: Ehlers-Danlos syndrome, progeroid type, 2. Identifiers: Orphanet 536467, Orphanet 75496, MedGen C3809210, MONDO:0014139, OMIM 615349.

Allele frequency attached by ClinVar (database versions not stated): TOPMed below 0.00001.

Submission:

Labcorp Genetics (formerly Invitae), Labcorp
Classification: Uncertain significance for Ehlers-Danlos syndrome, spondylodysplastic type, 2; Spondyloepimetaphyseal dysplasia with joint laxity. Last evaluated: 2022-01-21. Review status: criteria provided, single submitter. Criteria: Invitae Variant Classification Sherloc (09022015). Collection method: clinical testing. Allele origin: germline.
Comment: This sequence change replaces alanine, which is neutral and non-polar, with valine, which is neutral and non-polar, at codon 34 of the B3GALT6 protein (p.Ala34Val). In summary, the available evidence is currently insufficient to determine the role of this variant in disease. Therefore, it has been classified as a Variant of Uncertain Significance. Algorithms developed to predict the effect of missense changes on protein structure and function (SIFT, PolyPhen-2, Align-GVGD) all suggest that this variant is likely to be tolerated. This variant has not been reported in the literature in individuals affected with B3GALT6-related conditions. The frequency data for this variant in the population databases is considered unreliable, as metrics indicate insufficient coverage at this position in the gnomAD database.